The following is an entry in ClinVar:

NM_017827.4(SARS2):c.589+1G>A

Gene: SARS2 (seryl-tRNA synthetase 2, mitochondrial; minus strand). Cytogenetic location: 19q13.2.
Variant type: single nucleotide variant.
Coding change: c.589+1G>A on transcript NM_017827.4 (MANE Select); the canonical splice donor site of the intron after coding-DNA position 589, G replaced by A.
Molecular consequence: splice donor variant.
Genome position (GRCh38, 1-based): chr19:38,921,391, C>T on the plus strand (G>A on the coding strand, the complement: SARS2 is on the minus strand). VCF-style: chr19-38921391-C-T. GRCh37 (hg19) VCF-style: chr19-39412031-C-T.
Other names: c.595+1G>A (NM_001145901.2).
Identifiers: ClinVar variation 215111 (VCV000215111.2), dbSNP rs863224195, ClinGen allele CA322530.
Genomic context (GRCh38, chr19:38,921,391, plus strand): 5'-GAGACCCCAGAACCCCCACACCGCAGGGCTTGTCAGCTCCCAGGCCTGGGGTGTGGCCCA[C>T]CTGGCTTGTCTCCGACCATGTGGAGCACTCGAGCCTGGCTCTCATCCCCGACGGGCTGCA-3'

ClinVar aggregate classification (germline): Pathogenic (1 of 4 stars; one submission).

Submission:

GeneDx
Classification: Pathogenic. Last evaluated: 2014-01-31. Review status: criteria provided, single submitter. Criteria: GeneDx Variant Classification (06012015). Collection method: clinical testing. Allele origin: germline. Affected: yes.
Comment: c.589+1 G>A: IVS5+1 G>A in intron 5 of the SARS2 gene (NM_017827.3). The c.589+1 G>A splice site mutation in the SARS2 gene destroys the canonical splice donor site in intron 5. It is predicted to cause abnormal gene splicing, either leading to an abnormal message that is subject to nonsense-mediated mRNA decay, or to an abnormal protein product if the message is used for protein translation. Although this mutation has not been previously reported to our knowledge, it is expected to be a pathogenic mutation.The variant is found in MITONUC-MITOP panel(s).